The following is an entry in ClinVar:

NM_000070.3(CAPN3):c.433C>G (p.Leu145Val)

Genes: CAPN3 (calpain 3; plus strand), LOC126862115 (BRD4-independent group 4 enhancer GRCh37_chr15:42677734-42678933; plus strand). Cytogenetic location: 15q15.1.
Variant type: single nucleotide variant.
Coding change: c.433C>G on transcript NM_000070.3 (MANE Select); coding-DNA position 433, C replaced by G.
Protein change: p.Leu145Val; replaces leucine 145 with valine.
Molecular consequence: missense variant.
Genome position (GRCh38, 1-based): chr15:42,386,220, C>G. VCF-style: chr15-42386220-C-G. GRCh37 (hg19) VCF-style: chr15-42678418-C-G.
Other names: c.433C>G, p.Leu145Val (NM_024344.2, NM_173087.2); short protein forms L145V.
Identifiers: ClinVar variation 290264 (VCV000290264.12), dbSNP rs886044404, ClinGen allele CA10606713.

ClinVar aggregate classification (germline): Uncertain significance. Review status: criteria provided, multiple submitters, no conflicts (2 of 4 stars). 2 submissions from 2 submitters: Uncertain significance (2). Last evaluated 2022-08-09.

Conditions:
Autosomal recessive limb-girdle muscular dystrophy type 2A (LGMDR1). Also called: LEYDEN-MOEBIUS MUSCULAR DYSTROPHY; MUSCULAR DYSTROPHY, PELVOFEMORAL; Limb-girdle muscular dystrophy, type 2A; Calpainopathy; Muscular dystrophy, limb-girdle, type 2A, Amish. Identifiers: Orphanet 267, MedGen C1869123, MONDO:0009675, OMIM 253600. Disease mechanism: loss of function.

Allele frequency attached by ClinVar (database versions not stated): gnomAD exomes 0.00001.
gnomAD v4.1: 2 of 1,614,182 alleles (0.00012%); highest among the groups gnomAD compares: Admixed American, 0.0033%; no homozygotes.

Submissions (2):

Labcorp Genetics (formerly Invitae), Labcorp
Classification: Uncertain significance for Autosomal recessive limb-girdle muscular dystrophy type 2A. Last evaluated: 2022-08-09. Review status: criteria provided, single submitter. Criteria: Invitae Variant Classification Sherloc (09022015). Collection method: clinical testing. Allele origin: germline.
Comment: This sequence change replaces leucine, which is neutral and non-polar, with valine, which is neutral and non-polar, at codon 145 of the CAPN3 protein (p.Leu145Val). This variant is present in population databases (no rsID available, gnomAD 0.006%). This variant has not been reported in the literature in individuals affected with CAPN3-related conditions. ClinVar contains an entry for this variant (Variation ID: 290264). Advanced modeling of protein sequence and biophysical properties (such as structural, functional, and spatial information, amino acid conservation, physicochemical variation, residue mobility, and thermodynamic stability) performed at Invitae indicates that this missense variant is expected to disrupt CAPN3 protein function. In summary, the available evidence is currently insufficient to determine the role of this variant in disease. Therefore, it has been classified as a Variant of Uncertain Significance.

Eurofins Ntd Llc (ga)
Classification: Uncertain significance. Last evaluated: 2016-09-06. Review status: criteria provided, single submitter. Criteria: EGL Classification Definitions 2015. Collection method: clinical testing. Allele origin: germline. Observed: 1 variant allele, 1 heterozygote.